The following is an entry in ClinVar:

ClinVar aggregate classification (germline): Benign. Review status: criteria provided, multiple submitters, no conflicts (2 of 4 stars). 2 submissions from 2 submitters: Benign (2). Last evaluated 2018-01-12.

Conditions:
Exostoses, multiple, type 2 (EXT2). Also called: EXOSTOSES, MULTIPLE, TYPE II; Hereditary Multiple Osteochondromatosis, Type II. Identifiers: Orphanet 321, MedGen C1851413, MONDO:0007586, OMIM 133701.

Allele frequency attached by ClinVar (database versions not stated): gnomAD 0.26377 and 0.25844; gnomAD exomes 0.30000; 1000 Genomes Project 30x 0.30575; TOPMed 0.26919; 1000 Genomes Project 0.30611.

Submissions (2):

Illumina Laboratory Services, Illumina
Classification: Benign for Exostoses, multiple, type 2. Last evaluated: 2018-01-12. Review status: criteria provided, single submitter. Criteria: ICSL Variant Classification Criteria 13 December 2019. Collection method: clinical testing. Allele origin: germline.
Comment: This variant was observed in the ICSL laboratory as part of a predisposition screen in an ostensibly healthy population. It had not been previously curated by ICSL or reported in the Human Gene Mutation Database (HGMD: prior to June 1st, 2018), and was therefore a candidate for classification through an automated scoring system. Utilizing variant allele frequency, disease prevalence and penetrance estimates, and inheritance mode, an automated score was calculated to assess if this variant is too frequent to cause the disease. Based on the score and internal cut-off values, a variant classified as benign is not then subjected to further curation. The score for this variant resulted in a classification of benign for this disease.

Breakthrough Genomics
Classification: Benign. Review status: criteria provided, single submitter. Criteria: ACMG Guidelines, 2015. Collection method: not provided. Allele origin: germline. Inheritance: Autosomal recessive inheritance. Affected: yes.

NM_207122.1(EXT2):c.-331T>C

Genes: EXT2 (exostosin glycosyltransferase 2; plus strand), LOC130005598 (ATAC-STARR-seq lymphoblastoid silent region 3272; plus strand). Cytogenetic location: 11p11.2.
Variant type: single nucleotide variant.
Coding change: c.-331T>C on transcript NM_207122.1; 331 bases upstream of the start codon, T replaced by C.
Genome position (GRCh38, 1-based): chr11:44,095,552, T>C. VCF-style: chr11-44095552-T-C. GRCh37 (hg19) VCF-style: chr11-44117102-T-C.
Identifiers: ClinVar variation 304563 (VCV000304563.8), dbSNP rs10458911, ClinGen allele CA10638452.